The following is an entry in ClinVar:

ClinVar aggregate classification (germline): Conflicting classifications of pathogenicity. Review status: criteria provided, conflicting classifications (1 of 4 stars). 5 submissions from 5 submitters: Uncertain significance (4); Likely benign (1). Last evaluated 2025-06-23.

Conditions:
Hereditary cancer. Identifiers: MedGen C1333600.
Hereditary cancer-predisposing syndrome. Also called: Hereditary neoplastic syndrome; Neoplastic Syndromes, Hereditary; Tumor predisposition; Hereditary Cancer Syndrome. Identifiers: Orphanet 140162, MedGen C0027672, MeSH D009386, MONDO:0015356.
Hereditary breast ovarian cancer syndrome. Also called: Hereditary breast and ovarian cancer syndrome (HBOC); Breast and ovarian cancer; Hereditary breast and/or ovarian cancer syndrome; BRCA1- and BRCA2-Associated Hereditary Breast and Ovarian Cancer; Hereditary breast and ovarian cancer syndrome; Hereditary breast and ovarian cancer. Identifiers: Orphanet 145, MedGen C0677776, MeSH D061325, MONDO:0003582. Disease mechanism: loss of function.

Submissions (5):

Mendelics
Classification: Uncertain significance for Hereditary cancer. Last evaluated: 2025-06-23. Review status: criteria provided, single submitter. Criteria: ACMG Guidelines, 2015. Collection method: clinical testing. Allele origin: unknown.
Comment: The available evidence is insufficient to conclusively determine the role of this variant. Therefore, it is classified as a Variant of Uncertain Significance.

Labcorp Genetics (formerly Invitae), Labcorp
Classification: Uncertain significance for Hereditary breast ovarian cancer syndrome. Last evaluated: 2024-03-23. Review status: criteria provided, single submitter. Criteria: Invitae Variant Classification Sherloc (09022015). Collection method: clinical testing. Allele origin: germline.
Comment: This sequence change replaces isoleucine, which is neutral and non-polar, with valine, which is neutral and non-polar, at codon 860 of the BRCA2 protein (p.Ile860Val). This variant is not present in population databases (gnomAD no frequency). This variant has not been reported in the literature in individuals affected with BRCA2-related conditions. ClinVar contains an entry for this variant (Variation ID: 185306). Advanced modeling of protein sequence and biophysical properties (such as structural, functional, and spatial information, amino acid conservation, physicochemical variation, residue mobility, and thermodynamic stability) performed at Invitae indicates that this missense variant is not expected to disrupt BRCA2 protein function with a negative predictive value of 95%. In summary, the available evidence is currently insufficient to determine the role of this variant in disease. Therefore, it has been classified as a Variant of Uncertain Significance.

Ambry Genetics
Classification: Uncertain significance for Hereditary cancer-predisposing syndrome. Last evaluated: 2023-07-18. Review status: criteria provided, single submitter. Criteria: Ambry Variant Classification Scheme 2023. Collection method: clinical testing. Allele origin: germline.
Comment: The p.I860V variant (also known as c.2578A>G), located in coding exon 10 of the BRCA2 gene, results from an A to G substitution at nucleotide position 2578. The isoleucine at codon 860 is replaced by valine, an amino acid with highly similar properties. This amino acid position is not well conserved in available vertebrate species. In addition, this alteration is predicted to be tolerated by in silico analysis. Since supporting evidence is limited at this time, the clinical significance of this alteration remains unclear.

University of Washington Department of Laboratory Medicine, University of Washington
Classification: Likely benign for Hereditary cancer-predisposing syndrome. Last evaluated: 2023-03-23. Review status: criteria provided, single submitter. Criteria: Dines et al. (Genet Med. 2020). Collection method: curation. Allele origin: germline.
Comment: Missense variant in a coldspot region where missense variants are very unlikely to be pathogenic (PMID:31911673).

BRCA2 exon 11 coldspot. Reclassification based on statistical prior probability.

Color Diagnostics, LLC DBA Color Health
Classification: Uncertain significance for Hereditary cancer-predisposing syndrome. Last evaluated: 2020-12-07. Review status: criteria provided, single submitter. Criteria: ACMG Guidelines, 2015. Collection method: clinical testing. Allele origin: germline.
Comment: This missense variant replaces isoleucine with valine at codon 860 of the BRCA2 protein. Computational prediction suggests that this variant may not impact protein structure and function (internally defined REVEL score threshold <= 0.5, PMID: 27666373). To our knowledge, functional studies have not been reported for this variant. This variant has not been reported in individuals affected with hereditary cancer in the literature. This variant has not been identified in the general population by the Genome Aggregation Database (gnomAD). The available evidence is insufficient to determine the role of this variant in disease conclusively. Therefore, this variant is classified as a Variant of Uncertain Significance.

NM_000059.4(BRCA2):c.2578A>G (p.Ile860Val)

Gene: BRCA2 (BRCA2 DNA repair associated; plus strand). Cytogenetic location: 13q13.1.
Variant type: single nucleotide variant.
Coding change: c.2578A>G on transcript NM_000059.4 (MANE Select); coding-DNA position 2578, A replaced by G.
Protein change: p.Ile860Val; replaces isoleucine 860 with valine.
Molecular consequence: missense variant.
Genome position (GRCh38, 1-based): chr13:32,336,933, A>G. VCF-style: chr13-32336933-A-G. GRCh37 (hg19) VCF-style: chr13-32911070-A-G.
Other names: short protein forms I860V.
Identifiers: ClinVar variation 185306 (VCV000185306.20), dbSNP rs786202072, ClinGen allele CA015675.